The following is an entry in ClinVar:

NM_001349253.2(SCN11A):c.1588A>G (p.Thr530Ala)

Gene: SCN11A (sodium voltage-gated channel alpha subunit 11; minus strand). Cytogenetic location: 3p22.2.
Variant type: single nucleotide variant.
Coding change: c.1588A>G on transcript NM_001349253.2 (MANE Select); coding-DNA position 1588, A replaced by G.
Protein change: p.Thr530Ala; replaces threonine 530 with alanine.
Molecular consequence: missense variant.
Genome position (GRCh38, 1-based): chr3:38,905,207, T>C on the plus strand (A>G on the coding strand, the complement: SCN11A is on the minus strand). VCF-style: chr3-38905207-T-C. GRCh37 (hg19) VCF-style: chr3-38946698-T-C.
Other names: c.1588A>G, p.Thr530Ala (NM_014139.3); short protein forms T530A.
Identifiers: ClinVar variation 541585 (VCV000541585.7), dbSNP rs1553638793, ClinGen allele CA352166165.

ClinVar aggregate classification (germline): Uncertain significance (1 of 4 stars; one submission).

Conditions:
Hereditary sensory and autonomic neuropathy type 7. Also called: Neuropathy, hereditary sensory and autonomic, type VII; HSAN VII. Identifiers: Orphanet 391397, MedGen C3809882, MONDO:0014244, OMIM 615548.
Familial episodic pain syndrome with predominantly lower limb involvement. Also called: Episodic pain syndrome, familial, 3. Identifiers: Orphanet 391384, Orphanet 391392, MedGen C3809899, MONDO:0014247, OMIM 615552.

Submission:

Labcorp Genetics (formerly Invitae), Labcorp
Classification: Uncertain significance for Familial episodic pain syndrome with predominantly lower limb involvement; Hereditary sensory and autonomic neuropathy type 7. Last evaluated: 2019-06-22. Review status: criteria provided, single submitter. Criteria: Invitae Variant Classification Sherloc (09022015). Collection method: clinical testing. Allele origin: germline.
Comment: In summary, the available evidence is currently insufficient to determine the role of this variant in disease. Therefore, it has been classified as a Variant of Uncertain Significance. Algorithms developed to predict the effect of missense changes on protein structure and function (SIFT, PolyPhen-2, Align-GVGD) all suggest that this variant is likely to be disruptive, but these predictions have not been confirmed by published functional studies and their clinical significance is uncertain. This variant has not been reported in the literature in individuals with SCN11A-related disease. This variant is not present in population databases (ExAC no frequency). This sequence change replaces threonine with alanine at codon 530 of the SCN11A protein (p.Thr530Ala). The threonine residue is highly conserved and there is a small physicochemical difference between threonine and alanine.